The following is an entry in ClinVar:

NM_020822.3(KCNT1):c.3412C>T (p.Leu1138Phe)

Gene: KCNT1 (potassium sodium-activated channel subfamily T member 1; plus strand). Cytogenetic location: 9q34.3.
Variant type: single nucleotide variant.
Coding change: c.3412C>T on transcript NM_020822.3 (MANE Select); coding-DNA position 3412, C replaced by T.
Protein change: p.Leu1138Phe; replaces leucine 1138 with phenylalanine.
Molecular consequence: missense variant.
Genome position (GRCh38, 1-based): chr9:135,786,431, C>T. VCF-style: chr9-135786431-C-T. GRCh37 (hg19) VCF-style: chr9-138678277-C-T.
Other names: c.3277C>T, p.Leu1093Phe (NM_001272003.2); short protein forms L1093F, L1138F.
Identifiers: ClinVar variation 4791894 (VCV004791894.1).
Genomic context (GRCh38, chr9:135,786,431, plus strand): 5'-CGCAAGGCGCCCAAGCAGGCAGGCCGGGCGGCGGCCGCGGAGTGGATCAGCCAGCAGCGC[C>T]TCAGCCTGTACCGGCGCTCTGAGCGCCAGGAGCTCTCCGAGCTGGTGAAGAACCGCATGA-3'
Protein context (NP_065873.2, residues 1128-1148): AAAEWISQQR[Leu1138Phe]SLYRRSERQE

ClinVar aggregate classification (germline): Uncertain significance (1 of 4 stars; one submission).

Conditions:
Autosomal dominant nocturnal frontal lobe epilepsy 5. Also called: CILIARY DYSKINESIA, PRIMARY, 28, WITH SITUS INVERSUS; Epilepsy, nocturnal frontal lobe, 5; CILIARY DYSKINESIA, PRIMARY, 28, WITHOUT SITUS INVERSUS; KCNT1-Related Epilepsy. Identifiers: Orphanet 98784, MedGen C3554306, MONDO:0014002, OMIM 615005.
Developmental and epileptic encephalopathy, 14 (DEE14). Also called: Early infantile epileptic encephalopathy 14. Identifiers: Orphanet 293181, MedGen C3554195, MONDO:0013989, OMIM 614959.

gnomAD v4.1: 1 of 1,594,124 alleles (0.000063%); highest among the groups gnomAD compares: Non-Finnish European, 0.000085%; no homozygotes.

Submission:

Labcorp Genetics (formerly Invitae), Labcorp
Classification: Uncertain significance for Autosomal dominant nocturnal frontal lobe epilepsy 5; Developmental and epileptic encephalopathy, 14. Last evaluated: 2025-06-10. Review status: criteria provided, single submitter. Criteria: Invitae Variant Classification Sherloc (09022015). Collection method: clinical testing. Allele origin: germline.
Comment: This sequence change replaces leucine, which is neutral and non-polar, with phenylalanine, which is neutral and non-polar, at codon 1138 of the KCNT1 protein (p.Leu1138Phe). This variant is not present in population databases (gnomAD no frequency). This variant has not been reported in the literature in individuals affected with KCNT1-related conditions. Invitae Evidence Modeling of protein sequence and biophysical properties (such as structural, functional, and spatial information, amino acid conservation, physicochemical variation, residue mobility, and thermodynamic stability) indicates that this missense variant is not expected to disrupt KCNT1 protein function with a negative predictive value of 80%. In summary, the available evidence is currently insufficient to determine the role of this variant in disease. Therefore, it has been classified as a Variant of Uncertain Significance.